The following is an entry in ClinVar:

ClinVar aggregate classification (germline): Likely benign. Review status: criteria provided, multiple submitters, no conflicts (2 of 4 stars). 3 submissions from 3 submitters: Likely benign (3). Last evaluated 2025-03-14.

Allele frequency attached by ClinVar (database versions not stated): gnomAD exomes 0.00001; TOPMed 0.00001; gnomAD 0.00002.
gnomAD v4.1: 8 of 1,613,938 alleles (0.0005%); highest among the groups gnomAD compares: Admixed American, 0.012%; no homozygotes.

Submissions (3):

Women's Health and Genetics/Laboratory Corporation of America, LabCorp
Classification: Likely benign. Last evaluated: 2025-03-14. Review status: criteria provided, single submitter. Criteria: LabCorp Variant Classification Summary - May 2015. Collection method: clinical testing. Allele origin: germline.

Labcorp Genetics (formerly Invitae), Labcorp
Classification: Likely benign. Last evaluated: 2025-03-11. Review status: criteria provided, single submitter. Criteria: Invitae Variant Classification Sherloc (09022015). Collection method: clinical testing. Allele origin: germline.

Laboratory for Molecular Medicine, Mass General Brigham Personalized Medicine
Classification: Likely benign. Last evaluated: 2019-09-17. Review status: criteria provided, single submitter. Criteria: LMM Criteria. Collection method: clinical testing. Allele origin: germline. Observed: 1 variant allele.
Comment: The p.Asp1086Asp variant in CACNA1D is classified as likely benign because it does not alter an amino acid residue, it is not located within the splice consensus sequence, and splice prediction algorithms do not predict a newly created splice site. It has been identified in 0.006% (2/34592) of Latino chromosomes in gnomAD. ACMG/AMP Criteria applied: BP4, BP7.

NM_001128840.3(CACNA1D):c.3198T>C (p.Asp1066=)

Gene: CACNA1D (calcium voltage-gated channel subunit alpha1 D; plus strand). Cytogenetic location: 3p21.1.
Variant type: single nucleotide variant.
Coding change: c.3198T>C on transcript NM_001128840.3 (MANE Select); coding-DNA position 3198, T replaced by C.
Protein change: p.Asp1066=; no amino-acid change (aspartic acid 1066 retained).
Molecular consequence: synonymous variant.
Genome position (GRCh38, 1-based): chr3:53,747,332, T>C. VCF-style: chr3-53747332-T-C. GRCh37 (hg19) VCF-style: chr3-53781359-T-C.
Other names: c.3258T>C, p.Asp1086= (NM_000720.4); c.3198T>C, p.Asp1066= (NM_001128839.3).
Identifiers: ClinVar variation 930039 (VCV000930039.12), dbSNP rs1265964727, ClinGen allele CA433801484.